The following is an entry in ClinVar:

NM_033004.4(NLRP1):c.649A>G (p.Thr217Ala)

Gene: NLRP1 (NLR family pyrin domain containing 1; minus strand). Cytogenetic location: 17p13.2.
Variant type: single nucleotide variant.
Coding change: c.649A>G on transcript NM_033004.4 (MANE Select); coding-DNA position 649, A replaced by G.
Protein change: p.Thr217Ala; replaces threonine 217 with alanine.
Molecular consequence: missense variant.
Genome position (GRCh38, 1-based): chr17:5,581,862, T>C on the plus strand (A>G on the coding strand, the complement: NLRP1 is on the minus strand). VCF-style: chr17-5581862-T-C. GRCh37 (hg19) VCF-style: chr17-5485182-T-C.
Other names: c.649A>G, p.Thr217Ala (NM_001033053.3, NM_014922.5, NM_033006.4 and 1 more transcripts); short protein forms T217A.
Identifiers: ClinVar variation 4735811 (VCV004735811.1).

ClinVar aggregate classification (germline): Uncertain significance (1 of 4 stars; one submission).

Submission:

Labcorp Genetics (formerly Invitae), Labcorp
Classification: Uncertain significance. Last evaluated: 2026-02-01. Review status: criteria provided, single submitter. Criteria: Invitae Variant Classification Sherloc (09022015). Collection method: clinical testing. Allele origin: germline.
Comment: This sequence change replaces threonine, which is neutral and polar, with alanine, which is neutral and non-polar, at codon 217 of the NLRP1 protein (p.Thr217Ala). This variant is not present in population databases (gnomAD no frequency). This variant has not been reported in the literature in individuals affected with NLRP1-related conditions. An algorithm developed to predict the effect of missense changes on protein structure and function outputs the following: PolyPhen-2: "Benign". The alanine amino acid residue is found in multiple mammalian species, which suggests that this missense change does not adversely affect protein function. In summary, the available evidence is currently insufficient to determine the role of this variant in disease. Therefore, it has been classified as a Variant of Uncertain Significance.